The following is an entry in ClinVar:

ClinVar aggregate classification (germline): Likely benign (1 of 4 stars; one submission).

gnomAD v4.1: 15 of 1,201,171 alleles (0.0012%); highest among the groups gnomAD compares: East Asian, 0.012%; no homozygotes.

Submission:

CeGaT Center for Human Genetics Tuebingen
Classification: Likely benign. Last evaluated: 2026-01-01. Review status: criteria provided, single submitter. Criteria: CeGaT Center For Human Genetics Tuebingen Variant Classification Criteria Version 2. Collection method: clinical testing. Allele origin: germline. Affected: yes. Observed: 2 variant alleles.
Comment: HDAC8: PM4, BS2

NM_018486.3(HDAC8):c.738-9967T>C

Gene: HDAC8 (histone deacetylase 8; minus strand). Cytogenetic location: Xq13.1.
Variant type: single nucleotide variant.
Coding change: c.738-9967T>C on transcript NM_018486.3 (MANE Select); 9967 bases into the intron before coding-DNA position 738, T replaced by C.
Molecular consequence: intron variant. On other transcripts: stop lost (3).
Genome position (GRCh38, 1-based): chrX:72,474,698, A>G on the plus strand (T>C on the coding strand, the complement: HDAC8 is on the minus strand). VCF-style: chrX-72474698-A-G. GRCh37 (hg19) VCF-style: chrX-71694548-A-G.
Other names: c.769T>C, p.Ter257Gln (NM_001166419.2); c.418T>C, p.Ter140Gln (NM_001166448.2); c.691T>C, p.Ter231Gln (NM_001410730.1); c.465-9967T>C (NM_001166418.2, NM_001410728.1); c.660-9967T>C (NM_001410727.1); c.738-9967T>C (NM_001410725.1, NM_001410729.1).
Identifiers: ClinVar variation 3778104 (VCV003778104.7).